The following is an entry in ClinVar:

ClinVar aggregate classification (germline): Uncertain significance (1 of 4 stars; one submission).

Submission:

GeneDx
Classification: Uncertain significance. Last evaluated: 2022-11-30. Review status: criteria provided, single submitter. Criteria: GeneDx Variant Classification Process June 2021. Collection method: clinical testing. Allele origin: germline. Affected: yes.
Comment: Not observed at significant frequency in large population cohorts (gnomAD); In silico analysis supports that this missense variant has a deleterious effect on protein structure/function; Has not been previously published as pathogenic or benign to our knowledge

NM_173689.7(CRB2):c.1622C>T (p.Pro541Leu)

Gene: CRB2 (crumbs cell polarity complex component 2; plus strand). Cytogenetic location: 9q33.3.
Variant type: single nucleotide variant.
Coding change: c.1622C>T on transcript NM_173689.7 (MANE Select); coding-DNA position 1622, C replaced by T.
Protein change: p.Pro541Leu; replaces proline 541 with leucine.
Molecular consequence: missense variant. On other transcripts: non-coding transcript variant (1).
Genome position (GRCh38, 1-based): chr9:123,370,675, C>T. VCF-style: chr9-123370675-C-T. GRCh37 (hg19) VCF-style: chr9-126132954-C-T.
Other names: short protein forms P541L.
Identifiers: ClinVar variation 2504200 (VCV002504200.1), dbSNP rs2550684822, ClinGen allele CA374863462.